The following is an entry in ClinVar:

ClinVar aggregate classification (germline): Likely pathogenic (1 of 4 stars; one submission).

Conditions:
Congenital myotonia, autosomal recessive form. Also called: Becker Generalized Myotonia; BECKER DISEASE; myotonia congenita, autosomal recessive. Identifiers: Orphanet 614, MedGen C0751360, MONDO:0009715, OMIM 255700.
Congenital myotonia, autosomal dominant form (THD). Also called: THOMSEN DISEASE; Myotonia congenita autosomal dominant. Identifiers: Orphanet 614, MedGen C2936781, MONDO:0008055, OMIM 160800.

Submission:

Labcorp Genetics (formerly Invitae), Labcorp
Classification: Likely pathogenic for Congenital myotonia, autosomal recessive form; Congenital myotonia, autosomal dominant form. Last evaluated: 2022-01-19. Review status: criteria provided, single submitter. Criteria: Invitae Variant Classification Sherloc (09022015). Collection method: clinical testing. Allele origin: germline.
Comment: This sequence change replaces isoleucine, which is neutral and non-polar, with phenylalanine, which is neutral and non-polar, at codon 191 of the CLCN1 protein (p.Ile191Phe). This variant is not present in population databases (gnomAD no frequency). This missense change has been observed in individual(s) with clinical features of autosomal dominant myotonia congenita (Invitae). It has also been observed to segregate with disease in related individuals. Advanced modeling of protein sequence and biophysical properties (such as structural, functional, and spatial information, amino acid conservation, physicochemical variation, residue mobility, and thermodynamic stability) performed at Invitae indicates that this missense variant is expected to disrupt CLCN1 protein function. In summary, the currently available evidence indicates that the variant is pathogenic, but additional data are needed to prove that conclusively. Therefore, this variant has been classified as Likely Pathogenic.

NM_000083.3(CLCN1):c.571A>T (p.Ile191Phe)

Gene: CLCN1 (chloride voltage-gated channel 1; plus strand). Cytogenetic location: 7q34.
Variant type: single nucleotide variant.
Coding change: c.571A>T on transcript NM_000083.3 (MANE Select); coding-DNA position 571, A replaced by T.
Protein change: p.Ile191Phe; replaces isoleucine 191 with phenylalanine.
Molecular consequence: missense variant. On other transcripts: non-coding transcript variant (1).
Genome position (GRCh38, 1-based): chr7:143,321,723, A>T. VCF-style: chr7-143321723-A-T. GRCh37 (hg19) VCF-style: chr7-143018816-A-T.
Other names: short protein forms I191F.
Identifiers: ClinVar variation 1461523 (VCV001461523.6), dbSNP rs2116838394, ClinGen allele CA369684256.
Genomic context (GRCh38, chr7:143,321,723, plus strand): 5'-CTCCCTTTTCACCTTCACCTTGACCCTGCACATAATCTTTCAACGCTTTTAGGCTCTGGA[A>T]TCCCCGAAATGAAGACAATACTTCGTGGGGTTGTCCTGAAGGAATACCTCACAATGAAAG-3'
Protein context (NP_000074.3, residues 181-201): LISPQAVGSG[Ile191Phe]PEMKTILRGV